The following is an entry in ClinVar:

NM_006885.4(ZFHX3):c.5170C>T (p.Gln1724Ter)

Genes: ZFHX3 (zinc finger homeobox 3; minus strand), ZFHX3-AS1 (ZFHX3 antisense RNA 1; plus strand). Cytogenetic location: 16q22.2.
Variant type: single nucleotide variant.
Coding change: c.5170C>T on transcript NM_006885.4 (MANE Select); coding-DNA position 5170, C replaced by T.
Protein change: p.Gln1724Ter; replaces glutamine 1724 with a stop codon.
Molecular consequence: nonsense.
Genome position (GRCh38, 1-based): chr16:72,797,512, G>A on the plus strand (C>T on the coding strand, the complement: ZFHX3 is on the minus strand). VCF-style: chr16-72797512-G-A. GRCh37 (hg19) VCF-style: chr16-72831411-G-A.
Other names: c.2428C>T, p.Gln810Ter (NM_001164766.2); c.5170C>T, p.Gln1724Ter (NM_001386735.1); short protein forms Q1724*, Q810*.
Identifiers: ClinVar variation 3342544 (VCV003342544.1).

ClinVar aggregate classification (germline): Uncertain significance (1 of 4 stars; one submission).

Submission:

GeneDx
Classification: Uncertain significance. Last evaluated: 2022-06-17. Review status: criteria provided, single submitter. Criteria: GeneDx Variant Classification Process June 2021. Collection method: clinical testing. Allele origin: germline. Affected: yes.
Comment: Not observed at significant frequency in large population cohorts (gnomAD); Nonsense variant predicted to result in protein truncation or nonsense mediated decay in a gene or region of a gene for which loss of function is not a well-established mechanism of disease; Has not been previously published as pathogenic or benign to our knowledge; Variants in candidate genes are classified as variants of uncertain significance in accordance with ACMG guidelines (Richards et al., 2015)